The following is an entry in ClinVar:

NM_003072.5(SMARCA4):c.426G>T (p.Gly142=)

Gene: SMARCA4 (SWI/SNF related BAF chromatin remodeling complex subunit ATPase 4; plus strand). Cytogenetic location: 19p13.2.
Variant type: single nucleotide variant.
Coding change: c.426G>T on transcript NM_003072.5 (MANE Select); coding-DNA position 426, G replaced by T.
Protein change: p.Gly142=; no amino-acid change (glycine 142 retained).
Molecular consequence: synonymous variant. On other transcripts: non-coding transcript variant (1).
Genome position (GRCh38, 1-based): chr19:10,986,259, G>T. VCF-style: chr19-10986259-G-T. GRCh37 (hg19) VCF-style: chr19-11096935-G-T.
Other names: c.426G>T (NM_001128849.1); c.426G>T, p.Gly142= (NM_001128844.3, NM_001128845.2, NM_001128846.2 and 6 more transcripts).
Identifiers: ClinVar variation 1998689 (VCV001998689.6), dbSNP rs1599949380, ClinGen allele CA505488642.

ClinVar aggregate classification (germline): Conflicting classifications of pathogenicity. Review status: criteria provided, conflicting classifications (1 of 4 stars). 2 submissions from 2 submitters: Uncertain significance (1); Likely benign (1). Last evaluated 2023-03-30.

Conditions:
Hereditary cancer-predisposing syndrome. Also called: Neoplastic Syndromes, Hereditary; Hereditary neoplastic syndrome; Tumor predisposition; Hereditary Cancer Syndrome. Identifiers: Orphanet 140162, MedGen C0027672, MeSH D009386, MONDO:0015356.
Rhabdoid tumor predisposition syndrome 2 (RTPS2). Identifiers: Orphanet 231108, Orphanet 69077, MedGen C2750074, MONDO:0013224, OMIM 613325.

Submissions (2):

Ambry Genetics
Classification: Uncertain significance for Hereditary cancer-predisposing syndrome. Last evaluated: 2023-03-30. Review status: criteria provided, single submitter. Criteria: Ambry Variant Classification Scheme 2023. Collection method: clinical testing. Allele origin: germline.
Comment: The c.426G>T variant (also known as p.G142G), located in coding exon 3 of the SMARCA4 gene, results from a G to T substitution at nucleotide position 426. This nucleotide substitution does not change the glycine at codon 142. This nucleotide position is poorly conserved in available vertebrate species. In silico splice site analysis for this alteration is inconclusive. Since supporting evidence is limited at this time, the clinical significance of this alteration remains unclear.

Labcorp Genetics (formerly Invitae), Labcorp
Classification: Likely benign for Rhabdoid tumor predisposition syndrome 2. Last evaluated: 2022-09-23. Review status: criteria provided, single submitter. Criteria: Invitae Variant Classification Sherloc (09022015). Collection method: clinical testing. Allele origin: germline.